The following is an entry in ClinVar:

ClinVar aggregate classification (germline): Uncertain significance (1 of 4 stars; one submission).

Conditions:
Hereditary hemorrhagic telangiectasia (HHT). Also called: ORW DISEASE; Osler Weber Rendu syndrome; OSLER-RENDU-WEBER DISEASE; Osler hemorrhagic telangiectasia syndrome. Identifiers: Orphanet 774, MedGen C0039445, MONDO:0019180. Disease mechanism: loss of function.

Submission:

Labcorp Genetics (formerly Invitae), Labcorp
Classification: Uncertain significance for Hereditary hemorrhagic telangiectasia. Last evaluated: 2024-02-21. Review status: criteria provided, single submitter. Criteria: Invitae Variant Classification Sherloc (09022015). Collection method: clinical testing. Allele origin: germline.
Comment: This sequence change replaces glutamic acid, which is acidic and polar, with lysine, which is basic and polar, at codon 316 of the ENG protein (p.Glu316Lys). This variant is not present in population databases (gnomAD no frequency). This variant has not been reported in the literature in individuals affected with ENG-related conditions. Advanced modeling of protein sequence and biophysical properties (such as structural, functional, and spatial information, amino acid conservation, physicochemical variation, residue mobility, and thermodynamic stability) has been performed at Invitae for this missense variant, however the output from this modeling did not meet the statistical confidence thresholds required to predict the impact of this variant on ENG protein function. In summary, the available evidence is currently insufficient to determine the role of this variant in disease. Therefore, it has been classified as a Variant of Uncertain Significance.

NM_001114753.3(ENG):c.946G>A (p.Glu316Lys)

Gene: ENG (endoglin; minus strand). Cytogenetic location: 9q34.11.
Variant type: single nucleotide variant.
Coding change: c.946G>A on transcript NM_001114753.3 (MANE Select); coding-DNA position 946, G replaced by A.
Protein change: p.Glu316Lys; replaces glutamic acid 316 with lysine.
Molecular consequence: missense variant.
Genome position (GRCh38, 1-based): chr9:127,824,845, C>T on the plus strand (G>A on the coding strand, the complement: ENG is on the minus strand). VCF-style: chr9-127824845-C-T. GRCh37 (hg19) VCF-style: chr9-130587124-C-T.
Other names: c.946G>A, p.Glu316Lys (NM_000118.4, NM_001406715.1); c.400G>A, p.Glu134Lys (NM_001278138.2); short protein forms E134K, E316K.
Identifiers: ClinVar variation 3642339 (VCV003642339.2).